The following is an entry in ClinVar:

ClinVar aggregate classification (germline): Uncertain significance (1 of 4 stars; one submission).

Conditions:
Mucopolysaccharidosis, MPS-III-A (MPS3A). Also called: HEPARAN SULFATE SULFATASE DEFICIENCY; SANFILIPPO SYNDROME A; SULFAMIDASE DEFICIENCY; MUCOPOLYSACCHARIDOSIS, TYPE IIIA, ATTENUATED; Mucopolysaccharidosis, type IIIA; mucopolysaccharidosis type 3A. Identifiers: Orphanet 581, Orphanet 79269, MedGen C0086647, MONDO:0009655, OMIM 252900.

Submission:

Labcorp Genetics (formerly Invitae), Labcorp
Classification: Uncertain significance for Mucopolysaccharidosis, MPS-III-A. Last evaluated: 2022-09-27. Review status: criteria provided, single submitter. Criteria: Invitae Variant Classification Sherloc (09022015). Collection method: clinical testing. Allele origin: germline.
Comment: A copy number gain of the genomic region encompassing the full coding sequence of the SGSH gene has been identified. The boundaries of this event are unknown as they extend beyond the assayed region for this gene and therefore may encompass additional genes. As the precise location of this event is unknown, it may be in tandem or it may be located elsewhere in the genome. This variant has not been reported in the literature in individuals affected with SGSH-related conditions. Experimental studies and prediction algorithms are not available or were not evaluated, and the functional significance of this variant is currently unknown. In summary, the available evidence is currently insufficient to determine the role of this variant in disease. Therefore, it has been classified as a Variant of Uncertain Significance.

NC_000017.10:g.(?_78109289)_(78272338_?)dup

Genes: CARD14 (caspase recruitment domain family member 14; plus strand), EIF4A3 (eukaryotic translation initiation factor 4A3; minus strand), RNF213 (ring finger protein 213; plus strand), SGSH (N-sulfoglucosamine sulfohydrolase; minus strand), SLC26A11 (solute carrier family 26 member 11; plus strand). Cytogenetic location: 17q25.3.
Variant type: Duplication.
Identifiers: ClinVar variation 2422574 (VCV002422574.2).